The following is an entry in ClinVar:

ClinVar aggregate classification (germline): Benign/Likely benign. Review status: criteria provided, multiple submitters, no conflicts (2 of 4 stars). 3 submissions from 3 submitters: Benign (2); Likely benign (1). Last evaluated 2023-01-01.

Allele frequency attached by ClinVar (database versions not stated): 1000 Genomes Project 0.00200; 1000 Genomes Project 30x 0.00281; TOPMed 0.00435; gnomAD 0.00466 and 0.00482; gnomAD exomes 0.00506 and 0.00777; ExAC 0.00530; ESP Exome Variant Server 0.00585.
gnomAD v4.1: 11,980 of 1,614,134 alleles (0.74%); highest among the groups gnomAD compares: Non-Finnish European, 0.9%; 77 homozygotes.

Submissions (3):

CeGaT Center for Human Genetics Tuebingen
Classification: Likely benign. Last evaluated: 2023-01-01. Review status: criteria provided, single submitter. Criteria: CeGaT Center For Human Genetics Tuebingen Variant Classification Criteria Version 2. Collection method: clinical testing. Allele origin: germline. Affected: yes. Observed: 2 variant alleles.
Comment: GRM5: BP4, BP7, BS2

Labcorp Genetics (formerly Invitae), Labcorp
Classification: Benign. Last evaluated: 2019-12-31. Review status: criteria provided, single submitter. Criteria: Invitae Variant Classification Sherloc (09022015). Collection method: clinical testing. Allele origin: germline.

Breakthrough Genomics
Classification: Benign. Review status: criteria provided, single submitter. Criteria: ACMG Guidelines, 2015. Collection method: not provided. Allele origin: germline. Inheritance: Unknown mechanism. Affected: yes.

NM_001143831.3(GRM5):c.2034G>A (p.Lys678=)

Gene: GRM5 (glutamate metabotropic receptor 5; minus strand). Cytogenetic location: 11q14.2.
Variant type: single nucleotide variant.
Coding change: c.2034G>A on transcript NM_001143831.3 (MANE Select); coding-DNA position 2034, G replaced by A.
Protein change: p.Lys678=; no amino-acid change (lysine 678 retained).
Molecular consequence: synonymous variant.
Genome position (GRCh38, 1-based): chr11:88,567,649, C>T on the plus strand (G>A on the coding strand, the complement: GRM5 is on the minus strand). VCF-style: chr11-88567649-C-T. GRCh37 (hg19) VCF-style: chr11-88300817-C-T.
Other names: c.2034G>A, p.Lys678= (NM_000842.5, NM_001384268.1).
Identifiers: ClinVar variation 777229 (VCV000777229.29), dbSNP rs55933882, ClinGen allele CA6220520.
Genomic context (GRCh38, chr11:88,567,649, plus strand): 5'-GAAAGCAATCACTAGCTGGGCACAGGCACTCATGAATCTGGGCTTTTTGGTACAGATCTT[C>T]TTCTTGCTGCCAGCCAGGATCCTTGCAATACGGTTGGTCTTTGTTACAAGGGCTGAGTAG-3'
Protein context (NP_001137303.1, residues 668-688): RIARILAGSK[Lys678=]KICTKKPRFM